The following is an entry in ClinVar:

ClinVar aggregate classification (germline): Uncertain significance (1 of 4 stars; one submission).

Conditions:
Adenylosuccinate lyase deficiency (ADSLD). Also called: ADSL DEFICIENCY. Identifiers: Orphanet 46, MedGen C0268126, MONDO:0007068, OMIM 103050.

Allele frequency attached by ClinVar (database versions not stated): TOPMed below 0.00001.

Submission:

Labcorp Genetics (formerly Invitae), Labcorp
Classification: Uncertain significance for Adenylosuccinate lyase deficiency. Last evaluated: 2024-02-23. Review status: criteria provided, single submitter. Criteria: Invitae Variant Classification Sherloc (09022015). Collection method: clinical testing. Allele origin: germline.
Comment: This variant occurs in a non-coding region of the ADSL gene. It does not change the encoded amino acid sequence of the ADSL protein. This variant is not present in population databases (gnomAD no frequency). This variant has not been reported in the literature in individuals affected with ADSL-related conditions. In summary, the available evidence is currently insufficient to determine the role of this variant in disease. Therefore, it has been classified as a Variant of Uncertain Significance.

NC_000022.11:g.40346236G>A

Gene: ADSL (adenylosuccinate lyase; plus strand). Cytogenetic location: 22q13.1.
Variant type: single nucleotide variant.
Genome position: GRCh38 VCF-style: chr22-40346236-G-A. GRCh37 (hg19) VCF-style: chr22-40742240-G-A.
Identifiers: ClinVar variation 2021461 (VCV002021461.4), dbSNP rs2044131496, ClinGen allele CA2405715725.